The following is an entry in ClinVar:

NM_001110219.3(GJB6):c.*337G>T

Gene: GJB6 (gap junction protein beta 6; minus strand). Cytogenetic location: 13q12.11.
Variant type: single nucleotide variant.
Coding change: c.*337G>T on transcript NM_001110219.3 (MANE Select); 337 bases downstream of the stop codon, G replaced by T.
Molecular consequence: 3 prime UTR variant.
Genome position (GRCh38, 1-based): chr13:20,222,358, C>A on the plus strand (G>T on the coding strand, the complement: GJB6 is on the minus strand). VCF-style: chr13-20222358-C-A. GRCh37 (hg19) VCF-style: chr13-20796497-C-A.
Other names: NC_000013.10:g.20796497C>A; c.*337G>T (NM_001110220.3, NM_001110221.3, NM_001370090.1 and 3 more transcripts).
Identifiers: ClinVar variation 311376 (VCV000311376.8), dbSNP rs7333214, ClinGen allele CA10643002.

ClinVar aggregate classification (germline): Benign. Review status: criteria provided, multiple submitters, no conflicts (2 of 4 stars). 3 submissions from 3 submitters: Benign (3). Last evaluated 2024-11-27.

Conditions:
Hidrotic ectodermal dysplasia syndrome (GJB6). Also called: CLOUSTON HIDROTIC ECTODERMAL DYSPLASIA; ECTODERMAL DYSPLASIA 2, CLOUSTON TYPE; Hidrotic ectodermal dysplasia; Autosomal dominant hidrotic ectodermal dysplasia; Clouston syndrome; Clouston's hidrotic ectodermal dysplasia. Identifiers: Orphanet 189, MedGen C0162361, MONDO:0007510, OMIM 129500.

Allele frequency attached by ClinVar (database versions not stated): gnomAD 0.23835; 1000 Genomes Project 0.25479; 1000 Genomes Project 30x 0.26265; TOPMed 0.26326.
gnomAD v4.1: 49,182 of 229,700 alleles (21%); highest among the groups gnomAD compares: African/African-American, 47%; 7,331 homozygotes.

Submissions (4):

Blueprint Genetics
Classification: Benign. Last evaluated: 2024-11-27. Review status: criteria provided, single submitter. Criteria: ACMG Guidelines, 2015. Collection method: clinical testing. Allele origin: germline.

Illumina Laboratory Services, Illumina
Classification: Benign for Hidrotic ectodermal dysplasia syndrome. Last evaluated: 2018-01-13. Review status: criteria provided, single submitter. Criteria: ICSL Variant Classification Criteria 13 December 2019. Collection method: clinical testing. Allele origin: germline.
Comment: This variant was observed in the ICSL laboratory as part of a predisposition screen in an ostensibly healthy population. It had not been previously curated by ICSL or reported in the Human Gene Mutation Database (HGMD: prior to June 1st, 2018), and was therefore a candidate for classification through an automated scoring system. Utilizing variant allele frequency, disease prevalence and penetrance estimates, and inheritance mode, an automated score was calculated to assess if this variant is too frequent to cause the disease. Based on the score and internal cut-off values, a variant classified as benign is not then subjected to further curation. The score for this variant resulted in a classification of benign for this disease.

Breakthrough Genomics
Classification: Benign. Review status: criteria provided, single submitter. Criteria: ACMG Guidelines, 2015. Collection method: not provided. Allele origin: germline. Inheritance: Autosomal recessive inheritance. Affected: yes.

Dr. Peter K. Rogan Lab, Western University
No classification provided (evidence only). Condition: Acute myeloid leukemia. Review status: no classification provided. Collection method: in vitro. Allele origin: not applicable. Functional consequence: retained intron. Not counted in ClinVar's aggregate classification.